The following is an entry in ClinVar:

ClinVar aggregate classification (germline): Benign/Likely benign. Review status: criteria provided, multiple submitters, no conflicts (2 of 4 stars). 3 submissions from 3 submitters: Benign (1); Likely benign (2). Last evaluated 2026-01-27.

Conditions:
Hyperprolinemia type 2 (HYRPRO2). Also called: 1-PYRROLINE-5-CARBOXYLATE DEHYDROGENASE DEFICIENCY; Delta-1-pyrroline-5-carboxylate dehydrogenase deficiency; Deficiency of pyrroline-5-carboxylate reductase. Identifiers: Orphanet 79101, MedGen C2931835, MONDO:0009401, OMIM 239510.

Allele frequency attached by ClinVar (database versions not stated): gnomAD 0.01622 and 0.01743; TOPMed 0.01827; 1000 Genomes Project 0.01897; ESP Exome Variant Server 0.01915; 1000 Genomes Project 30x 0.01921; ExAC 0.00535.

Submissions (3):

Labcorp Genetics (formerly Invitae), Labcorp
Classification: Benign for Hyperprolinemia type 2. Last evaluated: 2026-01-27. Review status: criteria provided, single submitter. Criteria: Invitae Variant Classification Sherloc (09022015). Collection method: clinical testing. Allele origin: germline.

Illumina Laboratory Services, Illumina
Classification: Likely benign for Hyperprolinemia type 2. Last evaluated: 2017-04-27. Review status: criteria provided, single submitter. Criteria: ICSL Variant Classification Criteria 13 December 2019. Collection method: clinical testing. Allele origin: germline.
Comment: This variant was observed as part of a predisposition screen in an ostensibly healthy population. A literature search was performed for the gene, cDNA change, and amino acid change (where applicable). No publications were found based on this search. Allele frequency data from public databases allowed determination this variant is unlikely to cause disease. Therefore, this variant is classified as likely benign.

Breakthrough Genomics
Classification: Likely benign. Review status: criteria provided, single submitter. Criteria: ACMG Guidelines, 2015. Collection method: not provided. Allele origin: germline. Inheritance: Autosomal recessive inheritance. Affected: yes.

NM_003748.4(ALDH4A1):c.603+14G>A

Genes: ALDH4A1 (aldehyde dehydrogenase 4 family member A1; minus strand), MIR4695 (microRNA 4695; minus strand). Cytogenetic location: 1p36.13.
Variant type: single nucleotide variant.
Coding change: c.603+14G>A on transcript NM_003748.4 (MANE Select); 14 bases into the intron after coding-DNA position 603, G replaced by A.
Molecular consequence: intron variant. On other transcripts: non-coding transcript variant (1).
Genome position (GRCh38, 1-based): chr1:18,883,265, C>T on the plus strand (G>A on the coding strand, the complement: ALDH4A1 is on the minus strand). VCF-style: chr1-18883265-C-T. GRCh37 (hg19) VCF-style: chr1-19209759-C-T.
Other names: c.603+14G>A (NM_001319218.2, NM_170726.3); c.423+14G>A (NM_001161504.2).
Identifiers: ClinVar variation 876209 (VCV000876209.12), dbSNP rs79637190, ClinGen allele CA647311.